The following is an entry in ClinVar:

NM_007315.4(STAT1):c.1707G>A (p.Leu569=)

Gene: STAT1 (signal transducer and activator of transcription 1; minus strand). Cytogenetic location: 2q32.2.
Variant type: single nucleotide variant.
Coding change: c.1707G>A on transcript NM_007315.4 (MANE Select); coding-DNA position 1707, G replaced by A.
Protein change: p.Leu569=; no amino-acid change (leucine 569 retained).
Molecular consequence: synonymous variant.
Genome position (GRCh38, 1-based): chr2:190,979,792, C>T on the plus strand (G>A on the coding strand, the complement: STAT1 is on the minus strand). VCF-style: chr2-190979792-C-T. GRCh37 (hg19) VCF-style: chr2-191844518-C-T.
Other names: c.1647G>A, p.Leu549= (NM_001384880.1); c.1713G>A, p.Leu571= (NM_001384881.1, NM_001384884.1); c.1701G>A, p.Leu567= (NM_001384882.1); c.1608G>A, p.Leu536= (NM_001384883.1); c.1548G>A, p.Leu516= (NM_001384885.1); c.1707G>A, p.Leu569= (NM_001384886.1, NM_001384889.1, NM_139266.3); c.1614G>A, p.Leu538= (NM_001384887.1); c.1677G>A, p.Leu559= (NM_001384888.1); and 2 more.
Identifiers: ClinVar variation 333269 (VCV000333269.16), dbSNP rs199668489, ClinGen allele CA2029843.

ClinVar aggregate classification (germline): Likely benign. Review status: criteria provided, multiple submitters, no conflicts (2 of 4 stars). 3 submissions from 3 submitters: Likely benign (3). Last evaluated 2025-11-03.

Conditions:
Mendelian susceptibility to mycobacterial diseases due to partial STAT1 deficiency. Also called: IMMUNODEFICIENCY 31A, MYCOBACTERIOSIS, AUTOSOMAL DOMINANT; STAT1 DEFICIENCY, AUTOSOMAL DOMINANT; Immunodeficiency 31a. Identifiers: Orphanet 319595, MedGen C4013950, MONDO:0013956, OMIM 614892.
Immunodeficiency 31B. Also called: IMMUNODEFICIENCY 31B, MYCOBACTERIAL AND VIRAL INFECTIONS, AUTOSOMAL RECESSIVE; STAT1 DEFICIENCY, AUTOSOMAL RECESSIVE. Identifiers: Orphanet 391311, MedGen C3151088, MONDO:0013427, OMIM 613796.
Autoimmune enteropathy and endocrinopathy - susceptibility to chronic infections syndrome. Also called: Immunodeficiency 31C; Immunodeficiency 31C, autosomal dominant. Identifiers: Orphanet 391487, MedGen C3279990, MONDO:0013599, OMIM 614162.

Allele frequency attached by ClinVar (database versions not stated): gnomAD 0.00002 and 0.00005; TOPMed 0.00002; ExAC 0.00007.
gnomAD v4.1: 125 of 1,613,518 alleles (0.0077%); highest among the groups gnomAD compares: East Asian, 0.26%; 2 homozygotes.

Submissions (3):

Labcorp Genetics (formerly Invitae), Labcorp
Classification: Likely benign for Mendelian susceptibility to mycobacterial diseases due to partial STAT1 deficiency; Immunodeficiency 31B; Autoimmune enteropathy and endocrinopathy - susceptibility to chronic infections syndrome. Last evaluated: 2025-11-03. Review status: criteria provided, single submitter. Criteria: Invitae Variant Classification Sherloc (09022015). Collection method: clinical testing. Allele origin: germline.

Blueprint Genetics
Classification: Likely benign. Last evaluated: 2024-09-06. Review status: criteria provided, single submitter. Criteria: ACMG Guidelines, 2015. Collection method: clinical testing. Allele origin: germline.

Illumina Laboratory Services, Illumina
Classification: Likely benign for Mendelian susceptibility to mycobacterial diseases due to partial STAT1 deficiency. Last evaluated: 2017-04-27. Review status: criteria provided, single submitter. Criteria: ICSL Variant Classification Criteria 13 December 2019. Collection method: clinical testing. Allele origin: germline.
Comment: This variant was observed as part of a predisposition screen in an ostensibly healthy population. A literature search was performed for the gene, cDNA change, and amino acid change (where applicable). No publications were found based on this search. Allele frequency data from public databases allowed determination this variant is unlikely to cause disease. Therefore, this variant is classified as likely benign.